The following is an entry in ClinVar:

ClinVar aggregate classification (germline): Uncertain significance (1 of 4 stars; one submission).

Conditions:
Congenital myotonia, autosomal dominant form (THD). Also called: THOMSEN DISEASE; Myotonia congenita autosomal dominant. Identifiers: Orphanet 614, MedGen C2936781, MONDO:0008055, OMIM 160800.
Congenital myotonia, autosomal recessive form. Also called: BECKER DISEASE; Becker Generalized Myotonia; myotonia congenita, autosomal recessive. Identifiers: Orphanet 614, MedGen C0751360, MONDO:0009715, OMIM 255700.

gnomAD v4.1: 1 of 1,613,950 alleles (0.000062%); highest among the groups gnomAD compares: Non-Finnish European, 0.000085%; no homozygotes.

Submission:

Labcorp Genetics (formerly Invitae), Labcorp
Classification: Uncertain significance for Congenital myotonia, autosomal recessive form; Congenital myotonia, autosomal dominant form. Last evaluated: 2019-02-26. Review status: criteria provided, single submitter. Criteria: Invitae Variant Classification Sherloc (09022015). Collection method: clinical testing. Allele origin: germline.
Comment: This sequence change replaces aspartic acid with histidine at codon 968 of the CLCN1 protein (p.Asp968His). The aspartic acid residue is moderately conserved and there is a moderate physicochemical difference between aspartic acid and histidine. This variant is not present in population databases (ExAC no frequency). This variant has not been reported in the literature in individuals with CLCN1-related disease. Algorithms developed to predict the effect of missense changes on protein structure and function do not agree on the potential impact of this missense change (SIFT: "Deleterious"; PolyPhen-2: "Probably Damaging"; Align-GVGD: "Class C0"). In summary, the available evidence is currently insufficient to determine the role of this variant in disease. Therefore, it has been classified as a Variant of Uncertain Significance.

NM_000083.3(CLCN1):c.2902G>C (p.Asp968His)

Gene: CLCN1 (chloride voltage-gated channel 1; plus strand). Cytogenetic location: 7q34.
Variant type: single nucleotide variant.
Coding change: c.2902G>C on transcript NM_000083.3 (MANE Select); coding-DNA position 2902, G replaced by C.
Protein change: p.Asp968His; replaces aspartic acid 968 with histidine.
Molecular consequence: missense variant. On other transcripts: non-coding transcript variant (1).
Genome position (GRCh38, 1-based): chr7:143,351,900, G>C. VCF-style: chr7-143351900-G-C. GRCh37 (hg19) VCF-style: chr7-143048993-G-C.
Other names: short protein forms D968H.
Identifiers: ClinVar variation 574516 (VCV000574516.2), dbSNP rs748630375, ClinGen allele CA369654144.
Genomic context (GRCh38, chr7:143,351,900, plus strand): 5'-GAGGGCGAGTTGGAGGAGCTGGAGCTGGTGGAGAGTCCAGGGCTGGAAGAGGAGCTGGCC[G>C]ACATCTTGCAGGGCCCCAGCCTGCGATCCACAGACGAGGAGGATGAGGATGAACTGATCC-3'
Protein context (NP_000074.3, residues 958-978): ESPGLEEELA[Asp968His]ILQGPSLRST